The following is an entry in ClinVar:

NM_020843.4(SCAPER):c.224C>T (p.Ser75Leu)

Gene: SCAPER (S-phase cyclin A associated protein in the ER; minus strand). Cytogenetic location: 15q24.3.
Variant type: single nucleotide variant.
Coding change: c.224C>T on transcript NM_020843.4 (MANE Select); coding-DNA position 224, C replaced by T.
Protein change: p.Ser75Leu; replaces serine 75 with leucine.
Molecular consequence: missense variant. On other transcripts: 5 prime UTR variant (4), non-coding transcript variant (1).
Genome position (GRCh38, 1-based): chr15:76,841,903, G>A on the plus strand (C>T on the coding strand, the complement: SCAPER is on the minus strand). VCF-style: chr15-76841903-G-A. GRCh37 (hg19) VCF-style: chr15-77134244-G-A.
Other names: c.-674C>T (NM_001145923.2); c.224C>T, p.Ser75Leu (NM_001353009.2); c.-179C>T (NM_001353010.2, NM_001353011.2, NM_001353012.2); c.224C>T (NM_001353009.1); short protein forms S75L.
Identifiers: ClinVar variation 717402 (VCV000717402.8), dbSNP rs75375920, ClinGen allele CA7675254.

ClinVar aggregate classification (germline): Benign/Likely benign. Review status: criteria provided, multiple submitters, no conflicts (2 of 4 stars). 4 submissions from 4 submitters: Benign (2); Likely benign (1). 1 of the submissions does not count toward it. Last evaluated 2024-11-25.

Conditions:
SCAPER-related disorder. Also called: SCAPER-related condition.

Allele frequency attached by ClinVar (database versions not stated): gnomAD exomes 0.00135; ExAC 0.00148; ESP Exome Variant Server 0.00528; 1000 Genomes Project 0.00559; gnomAD 0.00600 and 0.00644; 1000 Genomes Project 30x 0.00625; TOPMed 0.00649.
gnomAD v4.1: 1,791 of 1,613,582 alleles (0.11%); highest among the groups gnomAD compares: African/African-American, 2.1%; 16 homozygotes.

Submissions (4):

Blueprint Genetics
Classification: Likely benign. Last evaluated: 2024-11-25. Review status: criteria provided, single submitter. Criteria: ACMG Guidelines, 2015. Collection method: clinical testing. Allele origin: germline.

Labcorp Genetics (formerly Invitae), Labcorp
Classification: Benign. Last evaluated: 2019-12-31. Review status: criteria provided, single submitter. Criteria: Invitae Variant Classification Sherloc (09022015). Collection method: clinical testing. Allele origin: germline.

Breakthrough Genomics
Classification: Benign. Review status: criteria provided, single submitter. Criteria: ACMG Guidelines, 2015. Collection method: not provided. Allele origin: germline. Inheritance: Autosomal recessive inheritance. Affected: yes.

PreventionGenetics, part of Exact Sciences
Classification: Benign for SCAPER-related condition. Last evaluated: 2024-06-26. Review status: no assertion criteria provided. Collection method: clinical testing. Allele origin: germline. Not counted in ClinVar's aggregate classification.
Comment: This variant is classified as benign based on ACMG/AMP sequence variant interpretation guidelines (Richards et al. 2015 PMID: 25741868, with internal and published modifications).